The following is an entry in ClinVar:

NM_004068.4(AP2M1):c.58_74+7del

Genes: AP2M1 (adaptor related protein complex 2 subunit mu 1; plus strand), LOC123453202 (Sharpr-MPRA regulatory region 464; plus strand). Cytogenetic location: 3q27.1.
Variant type: Deletion.
Coding change: c.58_74+7del on transcript NM_004068.4 (MANE Select); coding-DNA position 58 through 7 bases into the intron after coding-DNA position 74, 24 bases deleted (TACCGAGATGACATCGGGTGAGTC).
Molecular consequence: splice donor variant.
Genome position (GRCh38, 1-based): chr3:184,177,051-184,177,074, TACCGAGATGACATCGGGTGAGTC deleted; deleting any 24 consecutive bases within chr3:184,177,046-184,177,074 gives the same sequence; the c. name uses the placement nearest the transcript's 3' end. VCF-style (leftmost placement, unchanged base first): chr3-184177045-CGAGTCTACCGAGATGACATCGGGT-C. GRCh37 (hg19) VCF-style: chr3-183894833-CGAGTCTACCGAGATGACATCGGGT-C.
Other names: c.58_74+7del (NM_001311198.2, NM_001025205.2).
Identifiers: ClinVar variation 4728227 (VCV004728227.1).

ClinVar aggregate classification (germline): Uncertain significance (1 of 4 stars; one submission).

Submission:

Labcorp Genetics (formerly Invitae), Labcorp
Classification: Uncertain significance. Last evaluated: 2025-10-01. Review status: criteria provided, single submitter. Criteria: Invitae Variant Classification Sherloc (09022015). Collection method: clinical testing. Allele origin: germline.
Comment: This variant results in the deletion of part of exon 2 (c.58_74+7del) of the AP2M1 gene. It is expected to disrupt RNA splicing. Variants that disrupt the donor or acceptor splice site typically lead to a loss of protein function (PMID: 16199547), however the current clinical and genetic evidence is not sufficient to establish whether loss-of-function variants in AP2M1 cause disease. This variant is not present in population databases (gnomAD no frequency). This variant has not been reported in the literature in individuals affected with AP2M1-related conditions. In summary, the available evidence is currently insufficient to determine the role of this variant in disease. Therefore, it has been classified as a Variant of Uncertain Significance.

Literature cited by the submitters: PubMed 16199547.